The following is an entry in ClinVar:

NM_001122630.2(CDKN1C):c.-8C>T

Gene: CDKN1C (cyclin dependent kinase inhibitor 1C; minus strand). Cytogenetic location: 11p15.4.
Variant type: single nucleotide variant.
Coding change: c.-8C>T on transcript NM_001122630.2 (MANE Select); 8 bases upstream of the start codon, C replaced by T.
Molecular consequence: 5 prime UTR variant. On other transcripts: missense variant (2).
Genome position (GRCh38, 1-based): chr11:2,885,464, G>A on the plus strand (C>T on the coding strand, the complement: CDKN1C is on the minus strand). VCF-style: chr11-2885464-G-A. GRCh37 (hg19) VCF-style: chr11-2906694-G-A.
Other names: c.26C>T, p.Thr9Ile (NM_000076.2, NM_001362474.2); c.-8C>T (NM_001122631.2, NM_001362475.2); short protein forms T9I.
Identifiers: ClinVar variation 1508329 (VCV001508329.8), dbSNP rs1300493378, ClinGen allele CA379148002.

ClinVar aggregate classification (germline): Uncertain significance. Review status: criteria provided, multiple submitters, no conflicts (2 of 4 stars). 3 submissions from 3 submitters: Uncertain significance (3). Last evaluated 2025-02-08.

Conditions:
Beckwith-Wiedemann syndrome (BWS). Also called: EMG SYNDROME; Exomphalos macroglossia gigantism syndrome. Identifiers: Orphanet 116, MedGen C0004903, MONDO:0007534, OMIM 130650.
IMAGe syndrome. Also called: Intrauterine growth retardation, metaphyseal dysplasia, adrenal hypoplasia congenita, and genital anomalies; Intrauterine Growth Restriction, Metaphyseal Dysplasia, Adrenal Hypoplasia Congenita, and Genital Anomalies. Identifiers: Orphanet 85173, MedGen C1846009, MONDO:0013873, OMIM 614732.
Inborn genetic diseases. Identifiers: MedGen C0950123, MeSH D030342.

Allele frequency attached by ClinVar (database versions not stated): gnomAD exomes below 0.00001 and 0.00001; gnomAD 0.00001; TOPMed 0.00002.
gnomAD v4.1: 4 of 1,545,404 alleles (0.00026%); highest among the groups gnomAD compares: Admixed American, 0.002%; no homozygotes.

Submissions (3):

Ambry Genetics
Classification: Uncertain significance for Inborn genetic diseases. Last evaluated: 2025-02-08. Review status: criteria provided, single submitter. Criteria: Ambry Variant Classification Scheme 2023. Collection method: clinical testing. Allele origin: germline.

Labcorp Genetics (formerly Invitae), Labcorp
Classification: Uncertain significance for Beckwith-Wiedemann syndrome. Last evaluated: 2023-09-03. Review status: criteria provided, single submitter. Criteria: Invitae Variant Classification Sherloc (09022015). Collection method: clinical testing. Allele origin: germline.
Comment: In summary, the available evidence is currently insufficient to determine the role of this variant in disease. Therefore, it has been classified as a Variant of Uncertain Significance. An algorithm developed to predict the effect of missense changes on protein structure and function (PolyPhen-2) suggests that this variant is likely to be tolerated. ClinVar contains an entry for this variant (Variation ID: 1508329). This variant has not been reported in the literature in individuals affected with CDKN1C-related conditions. The frequency data for this variant in the population databases is considered unreliable, as metrics indicate poor data quality at this position in the gnomAD database. This sequence change replaces threonine, which is neutral and polar, with isoleucine, which is neutral and non-polar, at codon 9 of the CDKN1C protein (p.Thr9Ile).

Fulgent Genetics
Classification: Uncertain significance for Beckwith-Wiedemann syndrome; IMAGe syndrome. Last evaluated: 2022-02-22. Review status: criteria provided, single submitter. Criteria: ACMG Guidelines, 2015. Collection method: clinical testing. Allele origin: unknown.